The following is an entry in ClinVar:

NM_001374736.1(DST):c.4723-17T>G

Gene: DST (dystonin; minus strand). Cytogenetic location: 6p12.1.
Variant type: single nucleotide variant.
Coding change: c.4723-17T>G on transcript NM_001374736.1 (MANE Select); 17 bases into the intron before coding-DNA position 4723, T replaced by G.
Molecular consequence: intron variant.
Genome position (GRCh38, 1-based): chr6:56,625,281, A>C on the plus strand (T>G on the coding strand, the complement: DST is on the minus strand). VCF-style: chr6-56625281-A-C. GRCh37 (hg19) VCF-style: chr6-56490079-A-C.
Other names: c.4624-17T>G (NM_001144769.5); c.4723-17T>G (NM_001374722.1); c.4750-17T>G (NM_001374734.1); c.4210-17T>G (NM_001144770.2); c.4090-17T>G (NM_001374730.1, NM_001386100.1, NM_183380.4 and 1 more transcripts); c.3112-17T>G (NM_015548.5, NM_001723.7).
Identifiers: ClinVar variation 1387374 (VCV001387374.6), dbSNP rs774583385, ClinGen allele CA1630178909.

ClinVar aggregate classification (germline): Uncertain significance (1 of 4 stars; one submission).

Conditions:
Hereditary sensory and autonomic neuropathy type 6. Also called: HSAN VI; Neuropathy, hereditary sensory and autonomic, type VI. Identifiers: Orphanet 314381, MedGen C3539003, MONDO:0013839, OMIM 614653.
Epidermolysis bullosa simplex 3, localized or generalized intermediate, with BP230 deficiency (EBS3). Also called: Epidermolysis bullosa simplex due to BP230 deficiency; Epidermolysis bullosa simplex, autosomal recessive 2. Identifiers: Orphanet 412181, MedGen C3809470, MONDO:0014180, OMIM 615425.

Allele frequency attached by ClinVar (database versions not stated): TOPMed 0.00001.

Submission:

Labcorp Genetics (formerly Invitae), Labcorp
Classification: Uncertain significance for Epidermolysis bullosa simplex 3, localized or generalized intermediate, with BP230 deficiency; Hereditary sensory and autonomic neuropathy type 6. Last evaluated: 2021-10-28. Review status: criteria provided, single submitter. Criteria: Invitae Variant Classification Sherloc (09022015). Collection method: clinical testing. Allele origin: germline.
Comment: This variant is not present in population databases (gnomAD no frequency). In summary, the available evidence is currently insufficient to determine the role of this variant in disease. Therefore, it has been classified as a Variant of Uncertain Significance. Algorithms developed to predict the effect of sequence changes on RNA splicing suggest that this variant may create or strengthen a splice site. This variant has not been reported in the literature in individuals affected with DST-related conditions. This sequence change falls in intron 20 of the DST gene. It does not directly change the encoded amino acid sequence of the DST protein.